The following is an entry in ClinVar:

ClinVar aggregate classification (germline): Likely benign (1 of 4 stars; one submission).

Conditions:
Familial cancer of breast. Also called: BREAST CANCER, FAMILIAL; Hereditary breast cancer; hereditary breast carcinoma. Identifiers: Orphanet 227535, MedGen C0346153, MONDO:0016419, OMIM 114480. Disease mechanism: loss of function.

Submission:

Myriad Genetics, Inc.
Classification: Likely benign for Familial cancer of breast. Last evaluated: 2024-04-25. Review status: criteria provided, single submitter. Criteria: Myriad Autosomal Dominant, Autosomal Recessive and X-Linked Classification Criteria (2023). Collection method: clinical testing. Allele origin: unknown.
Comment: This variant is considered likely benign. This variant is intronic and is not expected to impact mRNA splicing.

NM_000051.4(ATM):c.1066-14T>C

Gene: ATM (ATM serine/threonine kinase; plus strand). Cytogenetic location: 11q22.3.
Variant type: single nucleotide variant.
Coding change: c.1066-14T>C on transcript NM_000051.4 (MANE Select); 14 bases into the intron before coding-DNA position 1066, T replaced by C.
Molecular consequence: intron variant.
Genome position (GRCh38, 1-based): chr11:108,248,919, T>C. VCF-style: chr11-108248919-T-C. GRCh37 (hg19) VCF-style: chr11-108119646-T-C.
Other names: c.1066-14T>C (NM_001351834.2).
Identifiers: ClinVar variation 3254059 (VCV003254059.1), dbSNP rs2497206391.